The following is an entry in ClinVar:

NM_000092.5(COL4A4):c.674C>G (p.Pro225Arg)

Gene: COL4A4 (collagen type IV alpha 4 chain; minus strand). Cytogenetic location: 2q36.3.
Variant type: single nucleotide variant.
Coding change: c.674C>G on transcript NM_000092.5 (MANE Select); coding-DNA position 674, C replaced by G.
Protein change: p.Pro225Arg; replaces proline 225 with arginine.
Molecular consequence: missense variant.
Genome position (GRCh38, 1-based): chr2:227,108,852, G>C on the plus strand (C>G on the coding strand, the complement: COL4A4 is on the minus strand). VCF-style: chr2-227108852-G-C. GRCh37 (hg19) VCF-style: chr2-227973568-G-C.
Other names: short protein forms P225R.
Identifiers: ClinVar variation 2827326 (VCV002827326.3), dbSNP rs2061010244, ClinGen allele CA350859552.
Genomic context (GRCh38, chr2:227,108,852, plus strand): 5'-GTTCAGGGCTCTATTGATGTATCTTGCTCATGACTGCCTACCTTCAAACCTGGACGCCCT[G>C]GTTGGCCCGGAGGTCCCTAAATCAAGGGAGAAAAAAACACAAATCAATCATCAGACATAG-3'
Protein context (NP_000083.3, residues 215-235): EPGLVGPPGQ[Pro225Arg]GRPGLKGNPG

ClinVar aggregate classification (germline): Uncertain significance (1 of 4 stars; one submission).

Submission:

Labcorp Genetics (formerly Invitae), Labcorp
Classification: Uncertain significance. Last evaluated: 2023-04-08. Review status: criteria provided, single submitter. Criteria: Invitae Variant Classification Sherloc (09022015). Collection method: clinical testing. Allele origin: germline.
Comment: In summary, the available evidence is currently insufficient to determine the role of this variant in disease. Therefore, it has been classified as a Variant of Uncertain Significance. Advanced modeling of protein sequence and biophysical properties (such as structural, functional, and spatial information, amino acid conservation, physicochemical variation, residue mobility, and thermodynamic stability) performed at Invitae indicates that this missense variant is not expected to disrupt COL4A4 protein function. This variant has not been reported in the literature in individuals affected with COL4A4-related conditions. This variant is not present in population databases (gnomAD no frequency). This sequence change replaces proline, which is neutral and non-polar, with arginine, which is basic and polar, at codon 225 of the COL4A4 protein (p.Pro225Arg).